The following is an entry in ClinVar:

ClinVar aggregate classification (germline): Uncertain significance. Review status: criteria provided, multiple submitters, no conflicts (2 of 4 stars). 2 submissions from 2 submitters: Uncertain significance (2). Last evaluated 2021-10-14.

Allele frequency attached by ClinVar (database versions not stated): ExAC 0.00001; gnomAD 0.00003 and 0.00004; TOPMed 0.00004; ESP Exome Variant Server 0.00008.
gnomAD v4.1: 6 of 1,609,748 alleles (0.00037%); highest among the groups gnomAD compares: African/African-American, 0.0067%; no homozygotes.

Submissions (2):

Labcorp Genetics (formerly Invitae), Labcorp
Classification: Uncertain significance. Last evaluated: 2021-10-14. Review status: criteria provided, single submitter. Criteria: Invitae Variant Classification Sherloc (09022015). Collection method: clinical testing. Allele origin: germline.
Comment: This sequence change falls in intron 15 of the AP3B2 gene. It does not directly change the encoded amino acid sequence of the AP3B2 protein. This variant is present in population databases (rs372780092, ExAC 0.01%). This variant has not been reported in the literature in individuals affected with AP3B2-related conditions. Algorithms developed to predict the effect of sequence changes on RNA splicing suggest that this variant may disrupt the consensus splice site. In summary, the available evidence is currently insufficient to determine the role of this variant in disease. Therefore, it has been classified as a Variant of Uncertain Significance.

GeneDx
Classification: Uncertain significance. Last evaluated: 2020-02-25. Review status: criteria provided, single submitter. Criteria: GeneDx Variant Classification Process June 2021. Collection method: clinical testing. Allele origin: germline. Affected: yes.
Comment: Not observed in large population cohorts (Lek et al., 2016); In silico analysis supports a deleterious effect on splicing; Has not been previously published as pathogenic or benign to our knowledge

NM_001278512.2(AP3B2):c.1853-5C>A

Genes: AP3B2 (adaptor related protein complex 3 subunit beta 2; minus strand), CPEB1-AS1 (CPEB1 antisense RNA 1; plus strand). Cytogenetic location: 15q25.2.
Variant type: single nucleotide variant.
Coding change: c.1853-5C>A on transcript NM_001278512.2 (MANE Select); 5 bases into the intron before coding-DNA position 1853, C replaced by A.
Molecular consequence: intron variant.
Genome position (GRCh38, 1-based): chr15:82,665,580, G>T on the plus strand (C>A on the coding strand, the complement: AP3B2 is on the minus strand). VCF-style: chr15-82665580-G-T. GRCh37 (hg19) VCF-style: chr15-83334332-G-T.
Other names: c.1757-5C>A (NM_001278511.2); c.1853-5C>A (NM_004644.5).
Identifiers: ClinVar variation 1311267 (VCV001311267.6), dbSNP rs372780092, ClinGen allele CA7700093.